The following is an entry in ClinVar:

NM_001365536.1(SCN9A):c.*2226T>G

Genes: SCN1A-AS1 (SCN1A and SCN9A antisense RNA 1; plus strand), SCN9A (sodium voltage-gated channel alpha subunit 9; minus strand). Cytogenetic location: 2q24.3.
Variant type: single nucleotide variant.
Coding change: c.*2226T>G on transcript NM_001365536.1 (MANE Select); 2226 bases downstream of the stop codon, T replaced by G.
Molecular consequence: 3 prime UTR variant.
Genome position (GRCh38, 1-based): chr2:166,196,446, A>C on the plus strand (T>G on the coding strand, the complement: SCN9A is on the minus strand). VCF-style: chr2-166196446-A-C. GRCh37 (hg19) VCF-style: chr2-167052956-A-C.
Other names: c.*2226T>G (NM_002977.4).
Identifiers: ClinVar variation 331915 (VCV000331915.6), dbSNP rs141310425, ClinGen allele CA10612501.

ClinVar aggregate classification (germline): Conflicting classifications of pathogenicity. Review status: criteria provided, conflicting classifications (1 of 4 stars). 3 submissions from 1 submitter: Uncertain significance (1); Benign (2). Last evaluated 2018-01-13.

Conditions:
Primary erythromelalgia. Also called: SCN9A Erythromelalgia (SCN9A-EM); primary erythermalgia. Identifiers: Orphanet 306577, Orphanet 90026, MedGen C0014805, MONDO:0007571, OMIM 133020.
Channelopathy-associated congenital insensitivity to pain, autosomal recessive. Also called: Insensitivity to pain, channelopathy-associated; ASYMBOLIA FOR PAIN; CONGENITAL ANALGESIA, AUTOSOMAL RECESSIVE. Identifiers: Orphanet 88642, Orphanet 970, MedGen C1855739, MONDO:0009459, OMIM 243000.
Paroxysmal extreme pain disorder (PEXPD). Also called: PAIN, SUBMANDIBULAR, OCULAR, AND RECTAL, WITH FLUSHING; RECTAL PAIN, FAMILIAL; SCN9A Paroxysmal Extreme Pain Disorder (SCN9A-PEPD). Identifiers: Orphanet 46348, MedGen C1833661, MONDO:0008179, OMIM 167400.

Allele frequency attached by ClinVar (database versions not stated): 1000 Genomes Project 0.00120; 1000 Genomes Project 30x 0.00125; gnomAD 0.00297 and 0.00306; TOPMed 0.00305.

Submissions (3):

Illumina Laboratory Services, Illumina
Classification: Benign for Primary erythromelalgia. Last evaluated: 2018-01-13. Review status: criteria provided, single submitter. Criteria: ICSL Variant Classification Criteria 13 December 2019. Collection method: clinical testing. Allele origin: germline.
Comment: This variant was observed in the ICSL laboratory as part of a predisposition screen in an ostensibly healthy population. It had not been previously curated by ICSL or reported in the Human Gene Mutation Database (HGMD: prior to June 1st, 2018), and was therefore a candidate for classification through an automated scoring system. Utilizing variant allele frequency, disease prevalence and penetrance estimates, and inheritance mode, an automated score was calculated to assess if this variant is too frequent to cause the disease. Based on the score and internal cut-off values, a variant classified as benign is not then subjected to further curation. The score for this variant resulted in a classification of benign for this disease.

Illumina Laboratory Services, Illumina
Classification: Benign for Paroxysmal extreme pain disorder. Last evaluated: 2018-01-13. Review status: criteria provided, single submitter. Criteria: ICSL Variant Classification Criteria 13 December 2019. Collection method: clinical testing. Allele origin: germline.
Comment: the same text as in the submission from Illumina Laboratory Services, Illumina above.

Illumina Laboratory Services, Illumina
Classification: Uncertain significance for Channelopathy-associated congenital insensitivity to pain, autosomal recessive. Last evaluated: 2018-01-13. Review status: criteria provided, single submitter. Criteria: ICSL Variant Classification Criteria 13 December 2019. Collection method: clinical testing. Allele origin: germline.